The following is an entry in ClinVar:

NM_014053.4(FLVCR1):c.781C>T (p.Pro261Ser)

Gene: FLVCR1 (FLVCR choline and heme transporter 1; plus strand). Cytogenetic location: 1q32.3.
Variant type: single nucleotide variant.
Coding change: c.781C>T on transcript NM_014053.4 (MANE Select); coding-DNA position 781, C replaced by T.
Protein change: p.Pro261Ser; replaces proline 261 with serine.
Molecular consequence: missense variant.
Genome position (GRCh38, 1-based): chr1:212,863,767, C>T. VCF-style: chr1-212863767-C-T. GRCh37 (hg19) VCF-style: chr1-213037109-C-T.
Other names: short protein forms P261S.
Identifiers: ClinVar variation 2124365 (VCV002124365.4), dbSNP rs891219301, ClinGen allele CA36870752.

ClinVar aggregate classification (germline): Uncertain significance (1 of 4 stars; one submission).

Allele frequency attached by ClinVar (database versions not stated): TOPMed 0.00001.

Submission:

Labcorp Genetics (formerly Invitae), Labcorp
Classification: Uncertain significance. Last evaluated: 2022-08-16. Review status: criteria provided, single submitter. Criteria: Invitae Variant Classification Sherloc (09022015). Collection method: clinical testing. Allele origin: germline.
Comment: In summary, the available evidence is currently insufficient to determine the role of this variant in disease. Therefore, it has been classified as a Variant of Uncertain Significance. Algorithms developed to predict the effect of missense changes on protein structure and function are either unavailable or do not agree on the potential impact of this missense change (SIFT: "Tolerated"; PolyPhen-2: "Possibly Damaging"; Align-GVGD: "Class C0"). This variant has not been reported in the literature in individuals affected with FLVCR1-related conditions. This variant is not present in population databases (gnomAD no frequency). This sequence change replaces proline, which is neutral and non-polar, with serine, which is neutral and polar, at codon 261 of the FLVCR1 protein (p.Pro261Ser).